The following is an entry in ClinVar:

ClinVar aggregate classification (germline): Pathogenic/Likely pathogenic. Review status: criteria provided, multiple submitters, no conflicts (2 of 4 stars). 3 submissions from 3 submitters: Pathogenic (2); Likely pathogenic (1). Last evaluated 2024-12-31.

Conditions:
Histiocytic medullary reticulosis. Also called: SEVERE COMBINED IMMUNODEFICIENCY WITH HYPEREOSINOPHILIA; Omenn syndrome. Identifiers: Orphanet 39041, MedGen C2700553, MONDO:0011338, OMIM 603554.
Severe combined immunodeficiency due to DCLRE1C deficiency (RS-SCID). Also called: SCID, AUTOSOMAL RECESSIVE, T CELL-NEGATIVE, B CELL-NEGATIVE, NK CELL-POSITIVE, WITH SENSITIVITY TO IONIZING RADIATION. Identifiers: Orphanet 275, MedGen C1865371, MONDO:0011225, OMIM 602450.

Submissions (3):

3billion
Classification: Pathogenic for Histiocytic medullary reticulosis. Last evaluated: 2024-12-31. Review status: criteria provided, single submitter. Criteria: ACMG Guidelines, 2015. Collection method: clinical testing. Allele origin: germline. Affected: yes.
Comment: The variant is not observed in the gnomAD v4.1.0 dataset. Predicted Consequence/Location: Frameshift: predicted to result in a loss or disruption of normal protein function through nonsense-mediated decay (NMD) or protein truncation. Multiple pathogenic variants are reported downstream of the variant. The variant has been reported at least twice as pathogenic without evidence for the classification (ClinVar ID: VCV000936913). Therefore, this variant is classified as Pathogenic according to the recommendation of ACMG/AMP guideline.

Baylor Genetics
Classification: Likely pathogenic for Histiocytic medullary reticulosis. Last evaluated: 2023-11-12. Review status: criteria provided, single submitter. Criteria: ACMG Guidelines, 2015. Collection method: clinical testing. Allele origin: unknown.

Labcorp Genetics (formerly Invitae), Labcorp
Classification: Pathogenic for Athabaskan severe combined immunodeficiency. Last evaluated: 2019-06-26. Review status: criteria provided, single submitter. Criteria: Invitae Variant Classification Sherloc (09022015). Collection method: clinical testing. Allele origin: germline.
Comment: This sequence change creates a premature translational stop signal (p.Gly154Alafs*30) in the DCLRE1C gene. It is expected to result in an absent or disrupted protein product. This variant is not present in population databases (ExAC no frequency). This variant has not been reported in the literature in individuals with DCLRE1C-related conditions. Loss-of-function variants in DCLRE1C are known to be pathogenic (PMID: 21664875, 26123418). For these reasons, this variant has been classified as Pathogenic.

Literature cited by the submitters: PubMed 21664875 (cited by Labcorp Genetics (formerly Invitae), Labcorp); PubMed 26123418 (cited by Labcorp Genetics (formerly Invitae), Labcorp).

NM_001033855.3(DCLRE1C):c.461del (p.Gly154fs)

Gene: DCLRE1C (DNA cross-link repair 1C; minus strand). Cytogenetic location: 10p13.
Variant type: Deletion.
Coding change: c.461del on transcript NM_001033855.3 (MANE Select); coding-DNA position 461, one base deleted (G; older notation c.461delG).
Protein change: p.Gly154fs; shifts the reading frame from glycine 154.
Molecular consequence: frameshift variant. On other transcripts: non-coding transcript variant (4).
Genome position (GRCh38, 1-based): chr10:14,935,466, C deleted on the plus strand (G on the coding strand, the reverse complement: DCLRE1C is on the minus strand); the first of 5 consecutive C bases (chr10:14,935,466-14,935,470); deleting any one gives the same sequence. VCF-style (leftmost placement, unchanged base first): chr10-14935465-GC-G. GRCh37 (hg19) VCF-style: chr10-14977464-GC-G.
Other names: c.101del, p.Gly34fs (NM_001033857.3, NM_001033858.3, NM_001289077.2 and 2 more transcripts); c.116del, p.Gly39fs (NM_001289076.2, NM_001289078.2, NM_001350966.2 and 1 more transcripts); c.461del, p.Gly154fs (NM_001350965.2); short protein forms G39fs, G154fs, G34fs.
Identifiers: ClinVar variation 936913 (VCV000936913.9), dbSNP rs1404214090, ClinGen allele CA662142776.